The following is an entry in ClinVar:

NM_001903.5(CTNNA1):c.1501G>A (p.Ala501Thr)

Gene: CTNNA1 (catenin alpha 1; plus strand). Cytogenetic location: 5q31.2.
Variant type: single nucleotide variant.
Coding change: c.1501G>A on transcript NM_001903.5 (MANE Select); coding-DNA position 1501, G replaced by A.
Protein change: p.Ala501Thr; replaces alanine 501 with threonine.
Molecular consequence: missense variant.
Genome position (GRCh38, 1-based): chr5:138,917,853, G>A. VCF-style: chr5-138917853-G-A. GRCh37 (hg19) VCF-style: chr5-138253542-G-A.
Other names: c.1501G>A, p.Ala501Thr (NM_001290307.3, NM_001323982.2, NM_001323983.1 and 2 more transcripts); c.1192G>A, p.Ala398Thr (NM_001290309.3); c.1132G>A, p.Ala378Thr (NM_001290310.3); c.391G>A, p.Ala131Thr (NM_001290312.1, NM_001323987.1, NM_001323988.1 and 17 more transcripts); c.1408G>A, p.Ala470Thr (NM_001323986.2); c.52G>A, p.Ala18Thr (NM_001324006.1, NM_001324007.1, NM_001324008.1 and 2 more transcripts); c.298G>A, p.Ala100Thr (NM_001324011.1); c.148G>A, p.Ala50Thr (NM_001324012.1, NM_001324013.1); short protein forms A398T, A131T, A18T, A378T, A470T, A50T, A501T, A100T.
Identifiers: ClinVar variation 3837173 (VCV003837173.2).

ClinVar aggregate classification (germline): Uncertain significance. Review status: criteria provided, multiple submitters, no conflicts (2 of 4 stars). 2 submissions from 2 submitters: Uncertain significance (2). Last evaluated 2025-05-04.

Conditions:
Hereditary cancer-predisposing syndrome. Also called: Hereditary neoplastic syndrome; Neoplastic Syndromes, Hereditary; Tumor predisposition; Hereditary Cancer Syndrome. Identifiers: Orphanet 140162, MedGen C0027672, MeSH D009386, MONDO:0015356.

Submissions (2):

Labcorp Genetics (formerly Invitae), Labcorp
Classification: Uncertain significance. Last evaluated: 2025-05-04. Review status: criteria provided, single submitter. Criteria: Invitae Variant Classification Sherloc (09022015). Collection method: clinical testing. Allele origin: germline.
Comment: This sequence change replaces alanine, which is neutral and non-polar, with threonine, which is neutral and polar, at codon 501 of the CTNNA1 protein (p.Ala501Thr). This variant is not present in population databases (gnomAD no frequency). This variant has not been reported in the literature in individuals affected with CTNNA1-related conditions. Invitae Evidence Modeling of protein sequence and biophysical properties (such as structural, functional, and spatial information, amino acid conservation, physicochemical variation, residue mobility, and thermodynamic stability) indicates that this missense variant is expected to disrupt CTNNA1 protein function with a positive predictive value of 80%. In summary, the available evidence is currently insufficient to determine the role of this variant in disease. Therefore, it has been classified as a Variant of Uncertain Significance.

Ambry Genetics
Classification: Uncertain significance for Hereditary cancer-predisposing syndrome. Last evaluated: 2025-01-19. Review status: criteria provided, single submitter. Criteria: Ambry Variant Classification Scheme 2023. Collection method: clinical testing. Allele origin: germline.
Comment: The p.A501T variant (also known as c.1501G>A), located in coding exon 10 of the CTNNA1 gene, results from a G to A substitution at nucleotide position 1501. The alanine at codon 501 is replaced by threonine, an amino acid with similar properties. This amino acid position is conserved. In addition, the in silico prediction for this alteration is inconclusive. Based on the available evidence, the clinical significance of this variant remains unclear.